The following is an entry in ClinVar:

ClinVar aggregate classification (germline): Uncertain significance (1 of 4 stars; one submission).

Submission:

GeneDx
Classification: Uncertain significance. Last evaluated: 2017-01-19. Review status: criteria provided, single submitter. Criteria: GeneDx Variant Classification (06012015). Collection method: clinical testing. Allele origin: germline. Affected: yes.
Comment: The c.550_555delAGGTCC variant in the SRSF2 gene has not been reported previously as a pathogenic variant nor as a benign variant, to our knowledge. The c.550_555delAGGTCC variant causes an in-frame deletion of two amino acids, denoted p.Arg190_Ser191del. The c.550_555delAGGTCC variant was not observed in approximately 6500 individuals of European and African American ancestry in the NHLBI Exome Sequencing Project, indicating it is not a common benign variant in these populations. We interpret c.550_555delAGGTCC as a variant of uncertain significance.

NM_001195427.2(SRSF2):c.550_555del (p.178RS[6])

Gene: SRSF2 (serine and arginine rich splicing factor 2; minus strand). Cytogenetic location: 17q25.1.
Variant type: Deletion.
Coding change: c.550_555del on transcript NM_001195427.2 (MANE Select); coding-DNA positions 550 to 555, 6 bases deleted (AGGTCC; older notation c.550_555delAGGTCC).
Protein change: p.178RS[6].
Molecular consequence: inframe deletion. On other transcripts: inframe indel (1), non-coding transcript variant (1).
Genome position (GRCh38, 1-based): chr17:76,736,272-76,736,277, GGACCT deleted on the plus strand (AGGTCC on the coding strand, the reverse complement: SRSF2 is on the minus strand); deleting any 6 consecutive bases within chr17:76,736,272-76,736,282 gives the same sequence; the c. name uses the placement nearest the transcript's 3' end. VCF-style (leftmost placement, unchanged base first): chr17-76736271-GGGACCT-G. GRCh37 (hg19) VCF-style: chr17-74732353-GGGACCT-G.
Other names: c.550_555delAGGTCC (NM_003016.4); c.545_550delGGTCCA, p.Arg190_Ser191del (NM_003016.5).
Identifiers: ClinVar variation 423166 (VCV000423166.2), dbSNP rs1064796272, ClinGen allele CA16620613.